The following is an entry in ClinVar:

NM_004259.7(RECQL5):c.2927G>A (p.Arg976Gln)

Gene: RECQL5 (RecQ like helicase 5; minus strand). Cytogenetic location: 17q25.1.
Variant type: single nucleotide variant.
Coding change: c.2927G>A on transcript NM_004259.7 (MANE Select); coding-DNA position 2927, G replaced by A.
Protein change: p.Arg976Gln; replaces arginine 976 with glutamine.
Molecular consequence: missense variant.
Genome position (GRCh38, 1-based): chr17:75,627,471, C>T on the plus strand (G>A on the coding strand, the complement: RECQL5 is on the minus strand). VCF-style: chr17-75627471-C-T. GRCh37 (hg19) VCF-style: chr17-73623551-C-T.
Other names: short protein forms R976Q.
Identifiers: ClinVar variation 3351025 (VCV003351025.2).

ClinVar aggregate classification (germline): Uncertain significance (1 of 4 stars; one submission).

Conditions:
RECQL5-related disorder. Also called: RECQL5-related condition.

Submission:

PreventionGenetics, part of Exact Sciences
Classification: Uncertain significance for RECQL5-related condition. Last evaluated: 2025-12-03. Review status: criteria provided, single submitter. Criteria: ACMG Guidelines, 2015. Collection method: clinical testing. Allele origin: germline.
Comment: The RECQL5 c.2927G>A variant is predicted to result in the amino acid substitution p.Arg976Gln. To our knowledge, this variant has not been reported in the literature. A variant impacting the same amino acid (c.2926C>T; p.Arg976Trp) has been reported in a patient with breast cancer (Tavera-Tapia et al. 2019. PubMed ID: 30817846). This variant is reported in 0.010% of alleles in individuals of East Asian descent in gnomAD and is classified as uncertain in ClinVar (Variation ID: 3351025). At this time, the clinical significance of this variant is uncertain due to the absence of conclusive functional and genetic evidence.